The following is an entry in ClinVar:

NM_030662.4(MAP2K2):c.174C>T (p.Leu58=)

Gene: MAP2K2 (mitogen-activated protein kinase kinase 2; minus strand). Cytogenetic location: 19p13.3.
Variant type: single nucleotide variant.
Coding change: c.174C>T on transcript NM_030662.4 (MANE Select); coding-DNA position 174, C replaced by T.
Protein change: p.Leu58=; no amino-acid change (leucine 58 retained).
Molecular consequence: synonymous variant.
Genome position (GRCh38, 1-based): chr19:4,117,548, G>A on the plus strand (C>T on the coding strand, the complement: MAP2K2 is on the minus strand). VCF-style: chr19-4117548-G-A. GRCh37 (hg19) VCF-style: chr19-4117546-G-A.
Identifiers: ClinVar variation 227538 (VCV000227538.8), dbSNP rs876657504, ClinGen allele CA10577102.

ClinVar aggregate classification (germline): Likely benign. Review status: criteria provided, multiple submitters, no conflicts (2 of 4 stars). 2 submissions from 2 submitters: Likely benign (2). Last evaluated 2024-05-06.

Conditions:
RASopathy. Also called: rasopathies; Noonan spectrum disorder. Identifiers: Orphanet 536391, MedGen C5555857, MONDO:0021060.

Submissions (2):

Labcorp Genetics (formerly Invitae), Labcorp
Classification: Likely benign for RASopathy. Last evaluated: 2024-05-06. Review status: criteria provided, single submitter. Criteria: Invitae Variant Classification Sherloc (09022015). Collection method: clinical testing. Allele origin: germline.

Laboratory for Molecular Medicine, Mass General Brigham Personalized Medicine
Classification: Likely benign. Last evaluated: 2015-01-30. Review status: criteria provided, single submitter. Criteria: LMM Criteria. Collection method: clinical testing. Allele origin: germline. Observed: 1 variant allele.
Comment: p.Leu58Leu in exon 2 of MAP2K2: This variant is not expected to have clinical si gnificance because it does not alter an amino acid residue and is not located wi thin the splice consensus sequence.